The following is an entry in ClinVar:

ClinVar aggregate classification (germline): Uncertain significance. Review status: criteria provided, multiple submitters, no conflicts (2 of 4 stars). 3 submissions from 3 submitters: Uncertain significance (3). Last evaluated 2025-08-08.

Allele frequency attached by ClinVar (database versions not stated): gnomAD 0.00001; TOPMed 0.00001.
gnomAD v4.1: 10 of 1,614,024 alleles (0.00062%); highest among the groups gnomAD compares: East Asian, 0.0067%; 1 homozygote.

Submissions (3):

Labcorp Genetics (formerly Invitae), Labcorp
Classification: Uncertain significance. Last evaluated: 2025-08-08. Review status: criteria provided, single submitter. Criteria: Invitae Variant Classification Sherloc (09022015). Collection method: clinical testing. Allele origin: germline.
Comment: This sequence change replaces arginine, which is basic and polar, with tryptophan, which is neutral and slightly polar, at codon 315 of the HYOU1 protein (p.Arg315Trp). This variant is present in population databases (no rsID available, gnomAD 0.01%). This variant has not been reported in the literature in individuals affected with HYOU1-related conditions. ClinVar contains an entry for this variant (Variation ID: 1399344). An algorithm developed to predict the effect of missense changes on protein structure and function (PolyPhen-2) suggests that this variant is likely to be disruptive. In summary, the available evidence is currently insufficient to determine the role of this variant in disease. Therefore, it has been classified as a Variant of Uncertain Significance.

Ambry Genetics
Classification: Uncertain significance. Last evaluated: 2025-03-20. Review status: criteria provided, single submitter. Criteria: Ambry Variant Classification Scheme 2023. Collection method: clinical testing. Allele origin: germline.

Blueprint Genetics
Classification: Uncertain significance. Last evaluated: 2023-03-23. Review status: criteria provided, single submitter. Criteria: ACMG Guidelines, 2015. Collection method: clinical testing. Allele origin: germline.

NM_006389.5(HYOU1):c.943C>T (p.Arg315Trp)

Gene: HYOU1 (hypoxia up-regulated 1; minus strand). Cytogenetic location: 11q23.3.
Variant type: single nucleotide variant.
Coding change: c.943C>T on transcript NM_006389.5 (MANE Select); coding-DNA position 943, C replaced by T.
Protein change: p.Arg315Trp; replaces arginine 315 with tryptophan.
Molecular consequence: missense variant.
Genome position (GRCh38, 1-based): chr11:119,052,681, G>A on the plus strand (C>T on the coding strand, the complement: HYOU1 is on the minus strand). VCF-style: chr11-119052681-G-A. GRCh37 (hg19) VCF-style: chr11-118923393-G-A.
Other names: c.943C>T, p.Arg315Trp (NM_001130991.3); c.943C>T (NM_006389.3); short protein forms R315W.
Identifiers: ClinVar variation 1399344 (VCV001399344.8), dbSNP rs782432574, ClinGen allele CA382943670.